The following is an entry in ClinVar:

NM_000051.4(ATM):c.3667A>T (p.Asn1223Tyr)

Gene: ATM (ATM serine/threonine kinase; plus strand). Cytogenetic location: 11q22.3.
Variant type: single nucleotide variant.
Coding change: c.3667A>T on transcript NM_000051.4 (MANE Select); coding-DNA position 3667, A replaced by T.
Protein change: p.Asn1223Tyr; replaces asparagine 1223 with tyrosine.
Molecular consequence: missense variant.
Genome position (GRCh38, 1-based): chr11:108,282,800, A>T. VCF-style: chr11-108282800-A-T. GRCh37 (hg19) VCF-style: chr11-108153527-A-T.
Other names: c.3667A>T, p.Asn1223Tyr (NM_001351834.2); short protein forms N1223Y.
Identifiers: ClinVar variation 1464004 (VCV001464004.6), dbSNP rs1436681116, ClinGen allele CA382523146.
Genomic context (GRCh38, chr11:108,282,800, plus strand): 5'-TATAGACGTTTAGAAGACTTTATGGCATCTCATTTAGATTATCTGGTTTTGGAATGGCTA[A>T]ATCTTCAAGATACTGAATACAACTTATCTTCTTTTCCTTTTATTTTATTAAACTACACAA-3'
Protein context (NP_000042.3, residues 1213-1233): HLDYLVLEWL[Asn1223Tyr]LQDTEYNLSS

ClinVar aggregate classification (germline): Uncertain significance (1 of 4 stars; one submission).

Conditions:
Ataxia-telangiectasia syndrome (AT). Also called: Ataxia-telangiectasia, complementation group D; AT, COMPLEMENTATION GROUP C; Cerebello-oculocutaneous telangiectasia; Immunodeficiency with ataxia telangiectasia; Ataxia-telangiectasia, complementation group E; LOUIS-BAR SYNDROME. Identifiers: Orphanet 100, MedGen C0004135, MONDO:0008840, OMIM 208900.

Submission:

Labcorp Genetics (formerly Invitae), Labcorp
Classification: Uncertain significance for Ataxia-telangiectasia syndrome. Last evaluated: 2021-09-18. Review status: criteria provided, single submitter. Criteria: Invitae Variant Classification Sherloc (09022015). Collection method: clinical testing. Allele origin: germline.
Comment: Advanced modeling of protein sequence and biophysical properties (such as structural, functional, and spatial information, amino acid conservation, physicochemical variation, residue mobility, and thermodynamic stability) performed at Invitae indicates that this missense variant is not expected to disrupt ATM protein function. In summary, the available evidence is currently insufficient to determine the role of this variant in disease. Therefore, it has been classified as a Variant of Uncertain Significance. This variant has not been reported in the literature in individuals affected with ATM-related conditions. This sequence change replaces asparagine with tyrosine at codon 1223 of the ATM protein (p.Asn1223Tyr). The asparagine residue is weakly conserved and there is a large physicochemical difference between asparagine and tyrosine. This variant is not present in population databases (ExAC no frequency).